The following is an entry in ClinVar:

NM_000440.3(PDE6A):c.285C>T (p.Ser95=)

Gene: PDE6A (phosphodiesterase 6A; minus strand). Cytogenetic location: 5q32.
Variant type: single nucleotide variant.
Coding change: c.285C>T on transcript NM_000440.3 (MANE Select); coding-DNA position 285, C replaced by T.
Protein change: p.Ser95=; no amino-acid change (serine 95 retained).
Molecular consequence: synonymous variant.
Genome position (GRCh38, 1-based): chr5:149,944,389, G>A on the plus strand (C>T on the coding strand, the complement: PDE6A is on the minus strand). VCF-style: chr5-149944389-G-A. GRCh37 (hg19) VCF-style: chr5-149323952-G-A.
Identifiers: ClinVar variation 905413 (VCV000905413.23), dbSNP rs765008436, ClinGen allele CA3505091.

ClinVar aggregate classification (germline): Conflicting classifications of pathogenicity. Review status: criteria provided, conflicting classifications (1 of 4 stars). 4 submissions from 4 submitters: Uncertain significance (2); Likely benign (1). 1 of the submissions does not count toward it. Last evaluated 2025-08-16.

Conditions:
Retinitis pigmentosa (RP). Identifiers: Orphanet 791, MedGen C0035334, MeSH D012174, MONDO:0019200, OMIM 268000. Inheritance: Autosomal dominant, autosomal recessive and X linked inheritance.
PDE6A-related disorder. Also called: PDE6A-related condition.

Allele frequency attached by ClinVar (database versions not stated): ExAC 0.00002; gnomAD exomes 0.00003 and 0.00004; TOPMed 0.00004; gnomAD 0.00005.
gnomAD v4.1: 53 of 1,614,004 alleles (0.0033%); highest among the groups gnomAD compares: African/African-American, 0.004%; no homozygotes.

Submissions (4):

Labcorp Genetics (formerly Invitae), Labcorp
Classification: Likely benign. Last evaluated: 2025-08-16. Review status: criteria provided, single submitter. Criteria: Invitae Variant Classification Sherloc (09022015). Collection method: clinical testing. Allele origin: germline.

CeGaT Center for Human Genetics Tuebingen
Classification: Uncertain significance. Last evaluated: 2025-05-01. Review status: criteria provided, single submitter. Criteria: CeGaT Center For Human Genetics Tuebingen Variant Classification Criteria Version 2. Collection method: clinical testing. Allele origin: germline. Affected: yes. Observed: 1 variant allele.
Comment: PDE6A: PM2, BP4

Illumina Laboratory Services, Illumina
Classification: Uncertain significance for Retinitis pigmentosa. Last evaluated: 2018-01-13. Review status: criteria provided, single submitter. Criteria: ICSL Variant Classification Criteria 13 December 2019. Collection method: clinical testing. Allele origin: germline.

PreventionGenetics, part of Exact Sciences
Classification: Likely benign for PDE6A-related condition. Last evaluated: 2020-08-25. Review status: no assertion criteria provided. Collection method: clinical testing. Allele origin: germline. Not counted in ClinVar's aggregate classification.
Comment: This variant is classified as likely benign based on ACMG/AMP sequence variant interpretation guidelines (Richards et al. 2015 PMID: 25741868, with internal and published modifications).